The following is an entry in ClinVar:

NM_001136193.2(FASTKD2):c.1978C>T (p.Arg660Trp)

Gene: FASTKD2 (FAST kinase domains 2; plus strand). Cytogenetic location: 2q33.3.
Variant type: single nucleotide variant.
Coding change: c.1978C>T on transcript NM_001136193.2 (MANE Select); coding-DNA position 1978, C replaced by T.
Protein change: p.Arg660Trp; replaces arginine 660 with tryptophan.
Molecular consequence: missense variant.
Genome position (GRCh38, 1-based): chr2:206,790,651, C>T. VCF-style: chr2-206790651-C-T. GRCh37 (hg19) VCF-style: chr2-207655375-C-T.
Other names: c.1978C>T, p.Arg660Trp (NM_001136194.2, NM_014929.4); short protein forms R660W.
Identifiers: ClinVar variation 1307673 (VCV001307673.6), dbSNP rs186489901, ClinGen allele CA2075329.

ClinVar aggregate classification (germline): Uncertain significance. Review status: criteria provided, multiple submitters, no conflicts (2 of 4 stars). 3 submissions from 3 submitters: Uncertain significance (3). Last evaluated 2024-02-16.

Conditions:
Combined oxidative phosphorylation deficiency 44. Also called: FASTKD2-Related Combined Oxidative Phosphorylation Deficiency. Identifiers: MedGen C5394293, MONDO:0030020, OMIM 618855.

Allele frequency attached by ClinVar (database versions not stated): ExAC 0.00002; gnomAD exomes 0.00003; ESP Exome Variant Server 0.00008; 1000 Genomes Project 30x 0.00016; 1000 Genomes Project 0.00020.
gnomAD v4.1: 29 of 1,611,848 alleles (0.0018%); highest among the groups gnomAD compares: Admixed American, 0.015%; no homozygotes.

Submissions (3):

GeneDx
Classification: Uncertain significance. Last evaluated: 2024-02-16. Review status: criteria provided, single submitter. Criteria: GeneDx Variant Classification Process June 2021. Collection method: clinical testing. Allele origin: germline. Affected: yes.
Comment: Not observed at significant frequency in large population cohorts (gnomAD); In silico analysis, which includes protein predictors and evolutionary conservation, supports a deleterious effect; Has not been previously published as pathogenic or benign to our knowledge

Fulgent Genetics
Classification: Uncertain significance for Combined oxidative phosphorylation deficiency 44. Last evaluated: 2022-04-01. Review status: criteria provided, single submitter. Criteria: ACMG Guidelines, 2015. Collection method: clinical testing. Allele origin: unknown.

Labcorp Genetics (formerly Invitae), Labcorp
Classification: Uncertain significance. Last evaluated: 2021-11-26. Review status: criteria provided, single submitter. Criteria: Invitae Variant Classification Sherloc (09022015). Collection method: clinical testing. Allele origin: germline.
Comment: This sequence change replaces arginine, which is basic and polar, with tryptophan, which is neutral and slightly polar, at codon 660 of the FASTKD2 protein (p.Arg660Trp). This variant is present in population databases (rs186489901, gnomAD 0.01%). This variant has not been reported in the literature in individuals affected with FASTKD2-related conditions. ClinVar contains an entry for this variant (Variation ID: 1307673). Algorithms developed to predict the effect of missense changes on protein structure and function (SIFT, PolyPhen-2, Align-GVGD) all suggest that this variant is likely to be disruptive. In summary, the available evidence is currently insufficient to determine the role of this variant in disease. Therefore, it has been classified as a Variant of Uncertain Significance.